The following is an entry in ClinVar:

ClinVar aggregate classification (germline): Likely benign. Review status: criteria provided, multiple submitters, no conflicts (2 of 4 stars). 3 submissions from 3 submitters: Likely benign (3). Last evaluated 2023-08-11.

Conditions:
Dyskeratosis congenita. Identifiers: Orphanet 1775, MedGen C0265965, MONDO:0015780.
Dyskeratosis congenita, autosomal dominant 2. Identifiers: MedGen C3151443, MONDO:0013521, OMIM 613989.
Idiopathic Pulmonary Fibrosis. Also called: Idiopathic fibrosing alveolitis, chronic form; idiopathic fibrosing alveolitis. Identifiers: Orphanet 2032, MedGen C1800706, MeSH D054990, MONDO:0800504.

Allele frequency attached by ClinVar (database versions not stated): gnomAD exomes below 0.00001 and 0.00001.
gnomAD v4.1: 4 of 1,568,688 alleles (0.00025%); highest among the groups gnomAD compares: African/African-American, 0.0013%; no homozygotes.

Submissions (3):

Labcorp Genetics (formerly Invitae), Labcorp
Classification: Likely benign for Dyskeratosis congenita, autosomal dominant 2; Idiopathic Pulmonary Fibrosis. Last evaluated: 2023-08-11. Review status: criteria provided, single submitter. Criteria: Invitae Variant Classification Sherloc (09022015). Collection method: clinical testing. Allele origin: germline.

CeGaT Center for Human Genetics Tuebingen
Classification: Likely benign. Last evaluated: 2023-02-01. Review status: criteria provided, single submitter. Criteria: CeGaT Center For Human Genetics Tuebingen Variant Classification Criteria Version 2. Collection method: clinical testing. Allele origin: germline. Affected: yes. Observed: 1 variant allele.
Comment: TERT: BP4, BP7

Ambry Genetics
Classification: Likely benign for Dyskeratosis congenita. Last evaluated: 2022-03-24. Review status: criteria provided, single submitter. Criteria: Ambry Variant Classification Scheme 2023. Collection method: clinical testing. Allele origin: germline.

NM_198253.3(TERT):c.1215C>T (p.Tyr405=)

Gene: TERT (telomerase reverse transcriptase; minus strand). Cytogenetic location: 5p15.33.
Variant type: single nucleotide variant.
Coding change: c.1215C>T on transcript NM_198253.3 (MANE Select); coding-DNA position 1215, C replaced by T.
Protein change: p.Tyr405=; no amino-acid change (tyrosine 405 retained).
Molecular consequence: synonymous variant. On other transcripts: non-coding transcript variant (2).
Genome position (GRCh38, 1-based): chr5:1,293,671, G>A on the plus strand (C>T on the coding strand, the complement: TERT is on the minus strand). VCF-style: chr5-1293671-G-A. GRCh37 (hg19) VCF-style: chr5-1293786-G-A.
Other names: c.1215C>T, p.Tyr405= (NM_001193376.3).
Identifiers: ClinVar variation 707368 (VCV000707368.36), dbSNP rs1416285081, ClinGen allele CA443240623.